The following is an entry in ClinVar:

NM_004364.5(CEBPA):c.217T>G (p.Phe73Val)

Gene: CEBPA (CCAAT enhancer binding protein alpha; minus strand). Cytogenetic location: 19q13.11.
Variant type: single nucleotide variant.
Coding change: c.217T>G on transcript NM_004364.5 (MANE Select); coding-DNA position 217, T replaced by G.
Protein change: p.Phe73Val; replaces phenylalanine 73 with valine.
Molecular consequence: missense variant. On other transcripts: 5 prime UTR variant (1).
Genome position (GRCh38, 1-based): chr19:33,302,198, A>C on the plus strand (T>G on the coding strand, the complement: CEBPA is on the minus strand). VCF-style: chr19-33302198-A-C. GRCh37 (hg19) VCF-style: chr19-33793104-A-C.
Other names: c.-141T>G (NM_001285829.2); c.322T>G, p.Phe108Val (NM_001287424.2); c.175T>G, p.Phe59Val (NM_001287435.2); short protein forms F108V, F59V, F73V.
Identifiers: ClinVar variation 1716675 (VCV001716675.8), dbSNP rs1042601332, ClinGen allele CA307844409.

ClinVar aggregate classification (germline): Uncertain significance. Review status: criteria provided, multiple submitters, no conflicts (2 of 4 stars). 2 submissions from 2 submitters: Uncertain significance (2). Last evaluated 2025-01-04.

Conditions:
Acute myeloid leukemia (AML). Also called: Leukemia, acute myeloid, somatic; Leukemia, acute myelogenous, somatic; Acute myeloid leukemia, adult; AML adult; Acute non-lymphocytic leukemia; Acute granulocytic leukemia. Identifiers: Orphanet 519, MedGen C0023467, MeSH D015470, MONDO:0018874, OMIM 601626, HP:0004808. Disease mechanism: Constitutively activated FLT3.
Inborn genetic diseases. Identifiers: MedGen C0950123, MeSH D030342.

Allele frequency attached by ClinVar (database versions not stated): TOPMed 0.00001.

Submissions (2):

Ambry Genetics
Classification: Uncertain significance for Inborn genetic diseases. Last evaluated: 2025-01-04. Review status: criteria provided, single submitter. Criteria: Ambry Variant Classification Scheme 2023. Collection method: clinical testing. Allele origin: germline.
Comment: The p.F73V variant (also known as c.217T>G), located in coding exon 1 of the CEBPA gene, results from a T to G substitution at nucleotide position 217. The phenylalanine at codon 73 is replaced by valine, an amino acid with highly similar properties. This amino acid position is conserved. In addition, this alteration is predicted to be tolerated by in silico analysis. Based on the available evidence, the clinical significance of this variant remains unclear.

Labcorp Genetics (formerly Invitae), Labcorp
Classification: Uncertain significance for Acute myeloid leukemia. Last evaluated: 2022-08-18. Review status: criteria provided, single submitter. Criteria: Invitae Variant Classification Sherloc (09022015). Collection method: clinical testing. Allele origin: germline.
Comment: Algorithms developed to predict the effect of missense changes on protein structure and function (SIFT, PolyPhen-2, Align-GVGD) all suggest that this variant is likely to be tolerated. This variant has not been reported in the literature in individuals affected with CEBPA-related conditions. This variant is not present in population databases (gnomAD no frequency). This sequence change replaces phenylalanine, which is neutral and non-polar, with valine, which is neutral and non-polar, at codon 73 of the CEBPA protein (p.Phe73Val). In summary, the available evidence is currently insufficient to determine the role of this variant in disease. Therefore, it has been classified as a Variant of Uncertain Significance.